The following is an entry in ClinVar:

NM_001366110.1(PAX4):c.456C>T (p.Val152=)

Gene: PAX4 (paired box 4; minus strand). Cytogenetic location: 7q32.1.
Variant type: single nucleotide variant.
Coding change: c.456C>T on transcript NM_001366110.1 (MANE Select); coding-DNA position 456, C replaced by T.
Protein change: p.Val152=; no amino-acid change (valine 152 retained).
Molecular consequence: synonymous variant.
Genome position (GRCh38, 1-based): chr7:127,613,862, G>A on the plus strand (C>T on the coding strand, the complement: PAX4 is on the minus strand). VCF-style: chr7-127613862-G-A. GRCh37 (hg19) VCF-style: chr7-127253916-G-A.
Other names: NM_006193.2:c.432C>T; c.456C>T, p.Val152= (NM_001366111.1).
Identifiers: ClinVar variation 358804 (VCV000358804.35), dbSNP rs61749955, ClinGen allele CA4468077.

ClinVar aggregate classification (germline): Benign/Likely benign. Review status: criteria provided, multiple submitters, no conflicts (2 of 4 stars). 7 submissions from 7 submitters: Benign (2); Likely benign (5). Last evaluated 2026-01-19.

Allele frequency attached by ClinVar (database versions not stated): 1000 Genomes Project 0.00080; 1000 Genomes Project 30x 0.00094; gnomAD 0.00206 and 0.00216; TOPMed 0.00217; ESP Exome Variant Server 0.00323; gnomAD exomes 0.00344.
gnomAD v4.1: 5,256 of 1,614,048 alleles (0.33%); highest among the groups gnomAD compares: Non-Finnish European, 0.42%; 14 homozygotes.

Submissions (7):

Labcorp Genetics (formerly Invitae), Labcorp
Classification: Benign. Last evaluated: 2026-01-19. Review status: criteria provided, single submitter. Criteria: Invitae Variant Classification Sherloc (09022015). Collection method: clinical testing. Allele origin: germline.

Blueprint Genetics
Classification: Likely benign. Last evaluated: 2024-11-27. Review status: criteria provided, single submitter. Criteria: ACMG Guidelines, 2015. Collection method: clinical testing. Allele origin: germline.

CeGaT Center for Human Genetics Tuebingen
Classification: Likely benign. Last evaluated: 2024-08-01. Review status: criteria provided, single submitter. Criteria: CeGaT Center For Human Genetics Tuebingen Variant Classification Criteria Version 2. Collection method: clinical testing. Allele origin: germline. Affected: yes. Observed: 1 variant allele.
Comment: PAX4: BP4, BP7, BS2

ARUP Laboratories, Molecular Genetics and Genomics, ARUP Laboratories
Classification: Benign. Last evaluated: 2023-10-09. Review status: criteria provided, single submitter. Criteria: ARUP Molecular Germline Variant Investigation Process 2024. Collection method: clinical testing. Allele origin: germline.

GeneDx
Classification: Likely benign. Last evaluated: 2021-05-06. Review status: criteria provided, single submitter. Criteria: GeneDx Variant Classification Process June 2021. Collection method: clinical testing. Allele origin: germline. Affected: yes.

Genetic Services Laboratory, University of Chicago
Classification: Likely benign. Last evaluated: 2019-10-31. Review status: criteria provided, single submitter. Criteria: ACMG Guidelines, 2015. Collection method: clinical testing. Allele origin: germline. Affected: no.

Breakthrough Genomics
Classification: Likely benign. Review status: criteria provided, single submitter. Criteria: ACMG Guidelines, 2015. Collection method: not provided. Allele origin: germline. Inheritance: Autosomal dominant inheritance. Affected: yes.